The following is an entry in ClinVar:

NM_000245.4(MET):c.3124A>G (p.Ile1042Val)

Gene: MET (MET proto-oncogene, receptor tyrosine kinase; plus strand). Cytogenetic location: 7q31.2.
Variant type: single nucleotide variant.
Coding change: c.3124A>G on transcript NM_000245.4 (MANE Select); coding-DNA position 3124, A replaced by G.
Protein change: p.Ile1042Val; replaces isoleucine 1042 with valine.
Molecular consequence: missense variant.
Genome position (GRCh38, 1-based): chr7:116,774,976, A>G. VCF-style: chr7-116774976-A-G. GRCh37 (hg19) VCF-style: chr7-116415030-A-G.
Other names: c.1834A>G, p.Ile612Val (NM_001324402.2); c.3178A>G, p.Ile1060Val (NM_001127500.3); short protein forms I1042V, I1060V, I612V.
Identifiers: ClinVar variation 4106810 (VCV004106810.1).

ClinVar aggregate classification (germline): Uncertain significance (1 of 4 stars; one submission).

Conditions:
Hereditary cancer-predisposing syndrome. Also called: Tumor predisposition; Neoplastic Syndromes, Hereditary; Hereditary neoplastic syndrome; Hereditary Cancer Syndrome. Identifiers: Orphanet 140162, MedGen C0027672, MeSH D009386, MONDO:0015356.

gnomAD v4.1: 1 of 1,614,156 alleles (0.000062%); highest among the groups gnomAD compares: African/African-American, 0.0013%; no homozygotes.

Submission:

Ambry Genetics
Classification: Uncertain significance for Hereditary cancer-predisposing syndrome. Last evaluated: 2025-09-04. Review status: criteria provided, single submitter. Criteria: Ambry Variant Classification Scheme 2023. Collection method: clinical testing. Allele origin: germline.
Comment: The p.I1060V variant (also known as c.3178A>G), located in coding exon 14 of the MET gene, results from an A to G substitution at nucleotide position 3178. The isoleucine at codon 1060 is replaced by valine, an amino acid with highly similar properties. This amino acid position is conserved. In addition, this alteration is predicted to be tolerated by in silico analysis. Based on the available evidence, the clinical significance of this variant remains unclear.